The following is an entry in ClinVar:

ClinVar aggregate classification (germline): Likely benign (1 of 4 stars; one submission).

Conditions:
LRRC45-related disorder. Also called: LRRC45-related condition.

Submission:

PreventionGenetics, part of Exact Sciences
Classification: Likely benign for LRRC45-related condition. Last evaluated: 2025-08-05. Review status: criteria provided, single submitter. Criteria: ACMG Guidelines, 2015. Collection method: clinical testing. Allele origin: germline.
Comment: This variant is classified as likely benign based on ACMG/AMP sequence variant interpretation guidelines (Richards et al. 2015 PMID: 25741868, with internal and published modifications).

NM_144999.4(LRRC45):c.1647G>C (p.Arg549=)

Gene: LRRC45 (leucine rich repeat containing 45; plus strand). Cytogenetic location: 17q25.3.
Variant type: single nucleotide variant.
Coding change: c.1647G>C on transcript NM_144999.4 (MANE Select); coding-DNA position 1647, G replaced by C.
Protein change: p.Arg549=; no amino-acid change (arginine 549 retained).
Molecular consequence: synonymous variant.
Genome position (GRCh38, 1-based): chr17:82,030,217, G>C. VCF-style: chr17-82030217-G-C. GRCh37 (hg19) VCF-style: chr17-79988093-G-C.
Identifiers: ClinVar variation 4999556 (VCV004999556.1).